The following is an entry in ClinVar:

ClinVar aggregate classification (germline): Benign/Likely benign. Review status: criteria provided, multiple submitters, no conflicts (2 of 4 stars). 9 submissions from 9 submitters: Benign (2); Likely benign (4). 3 of the submissions do not count toward it. Last evaluated 2026-01-22.

Conditions:
Hereditary diffuse leukoencephalopathy with spheroids. Also called: LEUKOENCEPHALOPATHY, ADULT-ONSET, WITH AXONAL SPHEROIDS AND PIGMENTED GLIA. Identifiers: Orphanet 313808, MedGen C3711381, MONDO:0030796.

Allele frequency attached by ClinVar (database versions not stated): 1000 Genomes Project 0.00100; 1000 Genomes Project 30x 0.00109; TOPMed 0.00209; ESP Exome Variant Server 0.00223.
gnomAD v4.1: 2,812 of 1,614,064 alleles (0.17%); highest among the groups gnomAD compares: Admixed American, 0.32%; 4 homozygotes.

Submissions (9):

Labcorp Genetics (formerly Invitae), Labcorp
Classification: Likely benign. Last evaluated: 2026-01-22. Review status: criteria provided, single submitter. Criteria: Invitae Variant Classification Sherloc (09022015). Collection method: clinical testing. Allele origin: germline.

CeGaT Center for Human Genetics Tuebingen
Classification: Likely benign. Last evaluated: 2025-10-01. Review status: criteria provided, single submitter. Criteria: CeGaT Center For Human Genetics Tuebingen Variant Classification Criteria Version 2. Collection method: clinical testing. Allele origin: germline. Affected: yes. Observed: 8 variant alleles.
Comment: CSF1R: BP4, BS2

Blueprint Genetics
Classification: Likely benign. Last evaluated: 2024-11-20. Review status: criteria provided, single submitter. Criteria: ACMG Guidelines, 2015. Collection method: clinical testing. Allele origin: germline.

Mayo Clinic Laboratories, Mayo Clinic
Classification: Benign. Last evaluated: 2024-04-01. Review status: criteria provided, single submitter. Criteria: ACMG Guidelines, 2015. Collection method: clinical testing. Allele origin: germline. Observed: 5 variant alleles.
Comment: BS1, BS3, BP4

Illumina Laboratory Services, Illumina
Classification: Benign for Leukoencephalopathy, diffuse hereditary, with spheroids 1. Last evaluated: 2018-01-12. Review status: criteria provided, single submitter. Criteria: ICSL Variant Classification Criteria 13 December 2019. Collection method: clinical testing. Allele origin: germline.
Comment: This variant was observed in the ICSL laboratory as part of a predisposition screen in an ostensibly healthy population. It had not been previously curated by ICSL or reported in the Human Gene Mutation Database (HGMD: prior to June 1st, 2018), and was therefore a candidate for classification through an automated scoring system. Utilizing variant allele frequency, disease prevalence and penetrance estimates, and inheritance mode, an automated score was calculated to assess if this variant is too frequent to cause the disease. Based on the score and internal cut-off values, a variant classified as benign is not then subjected to further curation. The score for this variant resulted in a classification of benign for this disease.

Breakthrough Genomics
Classification: Likely benign. Review status: criteria provided, single submitter. Criteria: ACMG Guidelines, 2015. Collection method: not provided. Allele origin: germline. Inheritance: Autosomal recessive inheritance. Affected: yes.

Clinical Genetics DNA and cytogenetics Diagnostics Lab, Erasmus MC, Erasmus Medical Center
Classification: Likely benign. Review status: no assertion criteria provided. Collection method: clinical testing. Allele origin: germline. Affected: yes. Study: VKGL Data-share Consensus. Not counted in ClinVar's aggregate classification.

Genome Diagnostics Laboratory, Amsterdam University Medical Center
Classification: Likely benign. Review status: no assertion criteria provided. Collection method: clinical testing. Allele origin: germline. Affected: yes. Study: VKGL Data-share Consensus. Not counted in ClinVar's aggregate classification.

Laboratory of Diagnostic Genome Analysis, Leiden University Medical Center (LUMC)
Classification: Likely benign. Review status: no assertion criteria provided. Collection method: clinical testing. Allele origin: germline. Affected: yes. Study: VKGL Data-share Consensus. Not counted in ClinVar's aggregate classification.

Literature cited by the submitters: PubMed 29509319 (cited by Mayo Clinic Laboratories, Mayo Clinic); PubMed 32908482 (cited by Mayo Clinic Laboratories, Mayo Clinic); PubMed 34652888 (cited by Mayo Clinic Laboratories, Mayo Clinic).

NM_001288705.3(CSF1R):c.2239G>A (p.Gly747Arg)

Gene: CSF1R (colony stimulating factor 1 receptor; minus strand). Cytogenetic location: 5q32.
Variant type: single nucleotide variant.
Coding change: c.2239G>A on transcript NM_001288705.3 (MANE Select); coding-DNA position 2239, G replaced by A.
Protein change: p.Gly747Arg; replaces glycine 747 with arginine.
Molecular consequence: missense variant. On other transcripts: non-coding transcript variant (2).
Genome position (GRCh38, 1-based): chr5:150,057,367, C>T on the plus strand (G>A on the coding strand, the complement: CSF1R is on the minus strand). VCF-style: chr5-150057367-C-T. GRCh37 (hg19) VCF-style: chr5-149436930-C-T.
Other names: c.2239G>A, p.Gly747Arg (NM_001349736.2, NM_001375320.1, NM_005211.4); c.1795G>A, p.Gly599Arg (NM_001375321.1); short protein forms G747R, G599R.
Identifiers: ClinVar variation 352136 (VCV000352136.59), dbSNP rs41355444, ClinGen allele CA3506492.